The following is an entry in ClinVar:

NM_003098.3(SNTA1):c.1300_1301del (p.Trp434fs)

Gene: SNTA1 (syntrophin alpha 1; minus strand). Cytogenetic location: 20q11.21.
Variant type: Microsatellite.
Coding change: c.1300_1301del on transcript NM_003098.3 (MANE Select); coding-DNA positions 1300 to 1301, 2 bases deleted (TG; older notation c.1300_1301delTG).
Protein change: p.Trp434fs; shifts the reading frame from tryptophan 434.
Molecular consequence: frameshift variant.
Genome position (GRCh38, 1-based): chr20:33,408,825-33,408,826, CA deleted on the plus strand (TG on the coding strand, the reverse complement: SNTA1 is on the minus strand); deleting any 2 consecutive bases within chr20:33,408,825-33,408,828 gives the same sequence; the c. name uses the placement nearest the transcript's 3' end. VCF-style (leftmost placement, unchanged base first): chr20-33408824-CCA-C. GRCh37 (hg19) VCF-style: chr20-31996630-CCA-C.
Other names: short protein forms W434fs.
Identifiers: ClinVar variation 1306697 (VCV001306697.6), dbSNP rs1273480938, ClinGen allele CA635719589.

ClinVar aggregate classification (germline): Uncertain significance. Review status: criteria provided, multiple submitters, no conflicts (2 of 4 stars). 2 submissions from 2 submitters: Uncertain significance (2). Last evaluated 2022-09-14.

Conditions:
Long QT syndrome (LQTS). Identifiers: MedGen C0023976, MeSH D008133, MONDO:0002442. Disease mechanism: loss of function. Inheritance: Various modes of inheritance.

Submissions (2):

Labcorp Genetics (formerly Invitae), Labcorp
Classification: Uncertain significance for Long QT syndrome. Last evaluated: 2022-09-14. Review status: criteria provided, single submitter. Criteria: Invitae Variant Classification Sherloc (09022015). Collection method: clinical testing. Allele origin: germline.
Comment: In summary, the available evidence is currently insufficient to determine the role of this variant in disease. Therefore, it has been classified as a Variant of Uncertain Significance. ClinVar contains an entry for this variant (Variation ID: 1306697). This variant has not been reported in the literature in individuals affected with SNTA1-related conditions. This variant is present in population databases (no rsID available, gnomAD 0.0009%). This sequence change creates a premature translational stop signal (p.Trp434Glyfs*3) in the SNTA1 gene. It is expected to result in an absent or disrupted protein product. However, the current clinical and genetic evidence is not sufficient to establish whether loss-of-function variants in SNTA1 cause disease.

GeneDx
Classification: Uncertain significance. Last evaluated: 2019-07-02. Review status: criteria provided, single submitter. Criteria: GeneDx Variant Classification Process June 2021. Collection method: clinical testing. Allele origin: germline. Affected: yes.
Comment: Not observed at a significant frequency in large population cohorts (Lek et al., 2016); Frameshift variant predicted to result in protein truncation or nonsense mediated decay in a gene for which loss-of-function is not a known mechanism of disease; Has not been previously published as pathogenic or benign to our knowledge